The following is an entry in ClinVar:

ClinVar aggregate classification (germline): Likely pathogenic (1 of 4 stars; one submission).

Submission:

Labcorp Genetics (formerly Invitae), Labcorp
Classification: Likely pathogenic. Last evaluated: 2023-08-05. Review status: criteria provided, single submitter. Criteria: Invitae Variant Classification Sherloc (09022015). Collection method: clinical testing. Allele origin: germline.
Comment: This variant results in the deletion of part of exon 15 (c.1901-1_1903del) of the ABCC2 gene. It is expected to disrupt RNA splicing. Variants that disrupt the donor or acceptor splice site typically lead to a loss of protein function (PMID: 16199547), and loss-of-function variants in ABCC2 are known to be pathogenic (PMID: 9185779, 16549534, 16952291). This variant is not present in population databases (gnomAD no frequency). This variant has not been reported in the literature in individuals affected with ABCC2-related conditions. Algorithms developed to predict the effect of sequence changes on RNA splicing suggest that this variant may disrupt the consensus splice site. In summary, the currently available evidence indicates that the variant is pathogenic, but additional data are needed to prove that conclusively. Therefore, this variant has been classified as Likely Pathogenic.

Literature cited by the submitters: PubMed 16199547; PubMed 9185779; PubMed 16549534; PubMed 16952291.

NM_000392.5(ABCC2):c.1901-1_1903del

Gene: ABCC2 (ATP binding cassette subfamily C member 2; plus strand). Cytogenetic location: 10q24.2.
Variant type: Deletion.
Coding change: c.1901-1_1903del on transcript NM_000392.5 (MANE Select); the canonical splice acceptor site of the intron before coding-DNA position 1901 through coding-DNA position 1903, 4 bases deleted (GACA; older notation c.1901-1_1903delGACA).
Molecular consequence: splice acceptor variant.
Genome position (GRCh38, 1-based): chr10:99,811,535-99,811,538, GACA deleted; deleting any 4 consecutive bases within chr10:99,811,532-99,811,538 gives the same sequence; the c. name uses the placement nearest the transcript's 3' end. VCF-style (leftmost placement, unchanged base first): chr10-99811531-AACAG-A. GRCh37 (hg19) VCF-style: chr10-101571288-AACAG-A.
Identifiers: ClinVar variation 2819852 (VCV002819852.3), dbSNP rs2492919806, ClinGen allele CA2739270970.